The following is an entry in ClinVar:

ClinVar aggregate classification (germline): Conflicting classifications of pathogenicity. Review status: criteria provided, conflicting classifications (1 of 4 stars). 3 submissions from 3 submitters: Uncertain significance (2); Likely benign (1). Last evaluated 2024-09-20.

Conditions:
Harel-Yoon syndrome (HAYOS). Also called: Optic atrophy-peripheral neuropathy-developmental delay syndrome. Identifiers: Orphanet 496790, MedGen C4310677, MONDO:0014958, OMIM 617183.
Pontocerebellar hypoplasia, hypotonia, and respiratory insufficiency syndrome, neonatal lethal. Also called: PHRINL SYNDROME. Identifiers: Orphanet 615954, MedGen C5394137, MONDO:0032931, OMIM 618810.
Inborn genetic diseases. Identifiers: MedGen C0950123, MeSH D030342.

Allele frequency attached by ClinVar (database versions not stated): gnomAD 0.00003; ExAC 0.00005; gnomAD exomes 0.00005; TOPMed 0.00006.
gnomAD v4.1: 75 of 1,547,310 alleles (0.0048%); highest among the groups gnomAD compares: Middle Eastern, 0.036%; no homozygotes.

Submissions (3):

3billion
Classification: Likely benign for Pontocerebellar hypoplasia, hypotonia, and respiratory insufficiency syndrome, neonatal lethal; Harel-Yoon syndrome. Last evaluated: 2024-09-20. Review status: criteria provided, single submitter. Criteria: ACMG Guidelines, 2015. Collection method: clinical testing. Allele origin: germline. Affected: no.
Comment: The homozygous variant was found in patients diagnosed with another variant in a different gene, with no symptoms related to the gene containing the homozygous variant.

Ambry Genetics
Classification: Uncertain significance for Inborn genetic diseases. Last evaluated: 2024-01-04. Review status: criteria provided, single submitter. Criteria: Ambry Variant Classification Scheme 2023. Collection method: clinical testing. Allele origin: germline.

CeGaT Center for Human Genetics Tuebingen
Classification: Uncertain significance. Last evaluated: 2023-02-01. Review status: criteria provided, single submitter. Criteria: CeGaT Center For Human Genetics Tuebingen Variant Classification Criteria Version 2. Collection method: clinical testing. Allele origin: germline. Affected: yes. Observed: 1 variant allele.
Comment: ATAD3A: PM2, BP4

NM_001170535.3(ATAD3A):c.283-45G>A

Gene: ATAD3A (ATPase family AAA domain containing 3A; plus strand). Cytogenetic location: 1p36.33.
Variant type: single nucleotide variant.
Coding change: c.283-45G>A on transcript NM_001170535.3 (MANE Select); 45 bases into the intron before coding-DNA position 283, G replaced by A.
Molecular consequence: intron variant. On other transcripts: missense variant (1).
Genome position (GRCh38, 1-based): chr1:1,517,266, G>A. VCF-style: chr1-1517266-G-A. GRCh37 (hg19) VCF-style: chr1-1452646-G-A.
Other names: c.382G>A, p.Ala128Thr (NM_018188.5); c.46-45G>A (NM_001170536.3); c.382G>A (NM_018188.3); short protein forms A128T.
Identifiers: ClinVar variation 2638021 (VCV002638021.25), dbSNP rs780466539, ClinGen allele CA525687.